The following is an entry in ClinVar:

ClinVar aggregate classification (germline): Likely pathogenic (1 of 4 stars; one submission).

Submission:

Labcorp Genetics (formerly Invitae), Labcorp
Classification: Likely pathogenic. Last evaluated: 2024-10-25. Review status: criteria provided, single submitter. Criteria: Invitae Variant Classification Sherloc (09022015). Collection method: clinical testing. Allele origin: germline.
Comment: This sequence change affects a donor splice site in intron 14 of the C2 gene. It is expected to disrupt RNA splicing. Variants that disrupt the donor or acceptor splice site typically lead to a loss of protein function (PMID: 16199547), and loss-of-function variants in C2 are known to be pathogenic (PMID: 1577763, 9616367). This variant is not present in population databases (gnomAD no frequency). This variant has not been reported in the literature in individuals affected with C2-related conditions. Algorithms developed to predict the effect of sequence changes on RNA splicing suggest that this variant may disrupt the consensus splice site. In summary, the currently available evidence indicates that the variant is pathogenic, but additional data are needed to prove that conclusively. Therefore, this variant has been classified as Likely Pathogenic.

Literature cited by the submitters: PubMed 16199547; PubMed 1577763; PubMed 9616367.

NM_000063.6(C2):c.1810+2T>G

Gene: C2 (complement C2; plus strand). Cytogenetic location: 6p21.33.
Variant type: single nucleotide variant.
Coding change: c.1810+2T>G on transcript NM_000063.6 (MANE Select); the canonical splice donor site of the intron after coding-DNA position 1810, T replaced by G.
Molecular consequence: splice donor variant.
Genome position (GRCh38, 1-based): chr6:31,943,995, T>G. VCF-style: chr6-31943995-T-G. GRCh37 (hg19) VCF-style: chr6-31911772-T-G.
Other names: c.1072+2T>G (NM_001282457.2); c.1168+2T>G (NM_001178063.3); c.1723+2T>G (NM_001282458.2); c.1414+2T>G (NM_001145903.3).
Identifiers: ClinVar variation 3692514 (VCV003692514.2).